The following is an entry in ClinVar:

NM_024747.6(HPS6):c.355G>T (p.Glu119Ter)

Gene: HPS6 (HPS6 biogenesis of lysosomal organelles complex 2 subunit 3; plus strand). Cytogenetic location: 10q24.32.
Variant type: single nucleotide variant.
Coding change: c.355G>T on transcript NM_024747.6 (MANE Select); coding-DNA position 355, G replaced by T.
Protein change: p.Glu119Ter; replaces glutamic acid 119 with a stop codon.
Molecular consequence: nonsense.
Genome position (GRCh38, 1-based): chr10:102,065,829, G>T. VCF-style: chr10-102065829-G-T. GRCh37 (hg19) VCF-style: chr10-103825586-G-T.
Other names: short protein forms E119*.
Identifiers: ClinVar variation 2016481 (VCV002016481.4), dbSNP rs2540986555, ClinGen allele CA377856453.
Genomic context (GRCh38, chr10:102,065,829, plus strand): 5'-GGCCTGGCCGAGGTGTGGGGCGCGGGCGTGGGGCCTGGCTGGCGGCCGCTGCAGAGCACC[G>T]AGCTGTGTCCGGGCGGGGGAGCCCGCGTTGTGGCAGTGGCGGCGCTCCGAGGCCGCCTGG-3'

ClinVar aggregate classification (germline): Pathogenic (1 of 4 stars; one submission).

Submission:

Labcorp Genetics (formerly Invitae), Labcorp
Classification: Pathogenic. Last evaluated: 2022-07-13. Review status: criteria provided, single submitter. Criteria: Invitae Variant Classification Sherloc (09022015). Collection method: clinical testing. Allele origin: germline.
Comment: This sequence change creates a premature translational stop signal (p.Glu119*) in the HPS6 gene. While this is not anticipated to result in nonsense mediated decay, it is expected to disrupt the last 657 amino acid(s) of the HPS6 protein. This variant is not present in population databases (gnomAD no frequency). This variant has not been reported in the literature in individuals affected with HPS6-related conditions. This variant disrupts a region of the HPS6 protein in which other variant(s) (p.Pro633LeufsX76) have been determined to be pathogenic (PMID: 27225848). This suggests that this is a clinically significant region of the protein, and that variants that disrupt it are likely to be disease-causing. For these reasons, this variant has been classified as Pathogenic.

Literature cited by the submitters: PubMed 27225848.